The following is an entry in ClinVar:

NM_006118.4(HAX1):c.814C>G (p.Leu272Val)

Gene: HAX1 (HCLS1 associated protein X-1; plus strand). Cytogenetic location: 1q21.3.
Variant type: single nucleotide variant.
Coding change: c.814C>G on transcript NM_006118.4 (MANE Select); coding-DNA position 814, C replaced by G.
Protein change: p.Leu272Val; replaces leucine 272 with valine.
Molecular consequence: missense variant.
Genome position (GRCh38, 1-based): chr1:154,275,675, C>G. VCF-style: chr1-154275675-C-G. GRCh37 (hg19) VCF-style: chr1-154248151-C-G.
Other names: c.670C>G, p.Leu224Val (NM_001018837.2); short protein forms L272V, L224V.
Identifiers: ClinVar variation 3856898 (VCV003856898.1).

ClinVar aggregate classification (germline): Uncertain significance (1 of 4 stars; one submission).

Conditions:
Inborn genetic diseases. Identifiers: MedGen C0950123, MeSH D030342.

gnomAD v4.1: 1 of 1,613,976 alleles (0.000062%); highest among the groups gnomAD compares: East Asian, 0.0022%; no homozygotes.

Submission:

Ambry Genetics
Classification: Uncertain significance for Inborn genetic diseases. Last evaluated: 2025-02-24. Review status: criteria provided, single submitter. Criteria: Ambry Variant Classification Scheme 2023. Collection method: clinical testing. Allele origin: germline.
Comment: The p.L272V variant (also known as c.814C>G), located in coding exon 7 of the HAX1 gene, results from a C to G substitution at nucleotide position 814. The leucine at codon 272 is replaced by valine, an amino acid with highly similar properties. This amino acid position is conserved. In addition, this alteration is predicted to be tolerated by in silico analysis. Based on the available evidence, the clinical significance of this variant remains unclear.